The following is an entry in ClinVar:

NM_006946.4(SPTBN2):c.1261_1263del (p.Glu421del)

Gene: SPTBN2 (spectrin beta, non-erythrocytic 2; minus strand). Cytogenetic location: 11q13.2.
Variant type: Deletion.
Coding change: c.1261_1263del on transcript NM_006946.4 (MANE Select); coding-DNA positions 1261 to 1263, 3 bases deleted (GAG; older notation c.1261_1263delGAG).
Protein change: p.Glu421del; deletes glutamic acid 421.
Molecular consequence: inframe deletion.
Genome position (GRCh38, 1-based): chr11:66,708,228-66,708,230, CTC deleted on the plus strand (GAG on the coding strand, the reverse complement: SPTBN2 is on the minus strand); deleting any 3 consecutive bases within chr11:66,708,228-66,708,232 gives the same sequence; the c. name uses the placement nearest the transcript's 3' end. VCF-style (leftmost placement, unchanged base first): chr11-66708227-TCTC-T. GRCh37 (hg19) VCF-style: chr11-66475698-TCTC-T.
Other names: c.1261_1263delGAG (NM_006946.2); short protein forms E421del.
Identifiers: ClinVar variation 279901 (VCV000279901.6), dbSNP rs886041245, ClinGen allele CA10603271.

ClinVar aggregate classification (germline): Pathogenic/Likely pathogenic. Review status: criteria provided, multiple submitters, no conflicts (2 of 4 stars). 2 submissions from 2 submitters: Pathogenic (1); Likely pathogenic (1). Last evaluated 2022-02-10.

Conditions:
Spinocerebellar ataxia type 5 (SCA5). Identifiers: Orphanet 98766, MedGen C0752123, MONDO:0010848, OMIM 600224.

Submissions (2):

GeneDx
Classification: Pathogenic. Last evaluated: 2022-02-10. Review status: criteria provided, single submitter. Criteria: GeneDx Variant Classification Process June 2021. Collection method: clinical testing. Allele origin: germline. Affected: yes.
Comment: Not observed at significant frequency in large population cohorts (gnomAD); In-frame deletion of 1 amino acids in a non-repeat region; In silico analysis supports a deleterious effect on protein structure/function; This variant is associated with the following publications: (PMID: 26633542)

Juno Genomics, Hangzhou Juno Genomics, Inc
Classification: Likely pathogenic for Spinocerebellar ataxia type 5. Review status: criteria provided, single submitter. Criteria: ACMG Guidelines, 2015. Collection method: clinical testing. Allele origin: germline. Affected: yes.
Comment: Absent from controls (or at extremely low frequency if recessive) in Genome Aggregation Database, Exome Sequencing Project, 1000 Genomes Project, or Exome Aggregation Consortium.;Protein length changes due to in-frame deletions/insertions in a non-repeat region or stop-loss variants.;Located in a mutational hot spot and/or critical and well-established functional domain (e.g. active site of an enzyme) without benign variation.;Co-segregation with disease in multiple affected family members in a gene definitively known to cause the disease.;Patient's phenotype or family history is highly specific for a disease with a single genetic etiology.